The following is an entry in ClinVar:

ClinVar aggregate classification (germline): Benign (1 of 4 stars; one submission).

Conditions:
MELAS syndrome (MELAS). Also called: Juvenile myopathy, encephalopathy, lactic acidosis, stroke. Identifiers: Orphanet 550, MedGen C0162671, MONDO:0010789, OMIM 540000.

Submission:

Wong Mito Lab, Molecular and Human Genetics, Baylor College of Medicine
Classification: Benign for MELAS syndrome. Last evaluated: 2019-07-12. Review status: criteria provided, single submitter. Criteria: Modified ACMG Guidelines (Unpublished). Collection method: clinical testing. Allele origin: germline.
Comment: The NC_012920.1:m.15929A>G variant in MT-TT gene is interpreted to be a Benign variant based on the modified ACMG guidelines (unpublished). This variant meets the following evidence codes reported in the guidelines: BS1, BS2, BP4

Literature cited by the submitters: PubMed 31965079.

NC_012920.1(MT-TT):m.15929A>G

Gene: MT-TT (mitochondrially encoded tRNA threonine; plus strand).
Variant type: single nucleotide variant.
Genome position: chrM-15929-A-G.
Identifiers: ClinVar variation 690239 (VCV000690239.1), dbSNP rs878866272, ClinGen allele CA337100584.